The following is an entry in ClinVar:

NM_014363.6(SACS):c.11500A>G (p.Thr3834Ala)

Gene: SACS (sacsin molecular chaperone; minus strand). Cytogenetic location: 13q12.12.
Variant type: single nucleotide variant.
Coding change: c.11500A>G on transcript NM_014363.6 (MANE Select); coding-DNA position 11500, A replaced by G.
Protein change: p.Thr3834Ala; replaces threonine 3834 with alanine.
Molecular consequence: missense variant.
Genome position (GRCh38, 1-based): chr13:23,332,376, T>C on the plus strand (A>G on the coding strand, the complement: SACS is on the minus strand). VCF-style: chr13-23332376-T-C. GRCh37 (hg19) VCF-style: chr13-23906515-T-C.
Other names: c.11059A>G, p.Thr3687Ala (NM_001278055.2); short protein forms T3687A, T3834A.
Identifiers: ClinVar variation 2015494 (VCV002015494.4), dbSNP rs2542169201, ClinGen allele CA387509849.
Genomic context (GRCh38, chr13:23,332,376, plus strand): 5'-CATATTGCTTAGTTGAAATAATATCTTCAGTACCTAAGTGTTTGAACAACTGGTGAAATG[T>C]GCCAAGTTCTAAAGGTAGCTTGTACAAATAAGGTTTAAAATCAGATTCATATTCTAGGTT-3'
Protein context (NP_055178.3, residues 3824-3844): YLYKLPLELG[Thr3834Ala]FHQLFKHLGT

ClinVar aggregate classification (germline): Uncertain significance (1 of 4 stars; one submission).

Conditions:
Spastic paraplegia. Identifiers: MedGen C0037772, HP:0001258.

Allele frequency attached by ClinVar (database versions not stated): gnomAD exomes below 0.00001.
gnomAD v4.1: 1 of 1,614,038 alleles (0.000062%); highest among the groups gnomAD compares: Non-Finnish European, 0.000085%; no homozygotes.

Submission:

Labcorp Genetics (formerly Invitae), Labcorp
Classification: Uncertain significance for Spastic paraplegia. Last evaluated: 2022-11-15. Review status: criteria provided, single submitter. Criteria: Invitae Variant Classification Sherloc (09022015). Collection method: clinical testing. Allele origin: germline.
Comment: In summary, the available evidence is currently insufficient to determine the role of this variant in disease. Therefore, it has been classified as a Variant of Uncertain Significance. Advanced modeling of protein sequence and biophysical properties (such as structural, functional, and spatial information, amino acid conservation, physicochemical variation, residue mobility, and thermodynamic stability) performed at Invitae indicates that this missense variant is not expected to disrupt SACS protein function. This variant has not been reported in the literature in individuals affected with SACS-related conditions. This variant is not present in population databases (gnomAD no frequency). This sequence change replaces threonine, which is neutral and polar, with alanine, which is neutral and non-polar, at codon 3834 of the SACS protein (p.Thr3834Ala).